The following is an entry in ClinVar:

NM_022489.4(INF2):c.885G>A (p.Leu295=)

Gene: INF2 (inverted formin 2; plus strand). Cytogenetic location: 14q32.33.
Variant type: single nucleotide variant.
Coding change: c.885G>A on transcript NM_022489.4 (MANE Select); coding-DNA position 885, G replaced by A.
Protein change: p.Leu295=; no amino-acid change (leucine 295 retained).
Molecular consequence: synonymous variant.
Genome position (GRCh38, 1-based): chr14:104,706,951, G>A. VCF-style: chr14-104706951-G-A. GRCh37 (hg19) VCF-style: chr14-105173288-G-A.
Other names: c.885G>A, p.Leu295= (NM_001031714.4).
Identifiers: ClinVar variation 312679 (VCV000312679.21), dbSNP rs370680236, ClinGen allele CA7372458.
Genomic context (GRCh38, chr14:104,706,951, plus strand): 5'-CCCACACTCGCCCGTCCAGGTGAGCTGCTCCCCGGTGTCTGCCCAGCTCCTGTCGGTGCT[G>A]CAGGGCCTCCTGCACCTGGAGCCCACCCTCCGCTCCAGCCAGCTGCTCTGGGAGGCCCTG-3'
Protein context (NP_071934.3, residues 285-305): SPVSAQLLSV[Leu295=]QGLLHLEPTL

ClinVar aggregate classification (germline): Likely benign. Review status: criteria provided, multiple submitters, no conflicts (2 of 4 stars). 7 submissions from 7 submitters: Likely benign (5). 2 of the submissions do not count toward it. Last evaluated 2025-10-21.

Conditions:
Focal segmental glomerulosclerosis 5 (FSGS5). Identifiers: Orphanet 656, MedGen C2750475, MONDO:0013191, OMIM 613237.
Inborn genetic diseases. Identifiers: MedGen C0950123, MeSH D030342.
INF2-related disorder. Also called: INF2-related condition.
Charcot-Marie-Tooth disease dominant intermediate E. Also called: CHARCOT-MARIE-TOOTH NEUROPATHY WITH FOCAL SEGMENTAL GLOMERULONEPHRITIS. Identifiers: Orphanet 93114, MedGen C4302667, MONDO:0013758, OMIM 614455.

Allele frequency attached by ClinVar (database versions not stated): gnomAD 0.00006 and 0.00007; TOPMed 0.00006; ESP Exome Variant Server 0.00008; ExAC 0.00010; gnomAD exomes 0.00010; 1000 Genomes Project 30x 0.00016; 1000 Genomes Project 0.00020.
gnomAD v4.1: 159 of 1,602,964 alleles (0.0099%); highest among the groups gnomAD compares: Non-Finnish European, 0.013%; no homozygotes.

Submissions (7):

Labcorp Genetics (formerly Invitae), Labcorp
Classification: Likely benign for Charcot-Marie-Tooth disease dominant intermediate E; Focal segmental glomerulosclerosis 5. Last evaluated: 2025-10-21. Review status: criteria provided, single submitter. Criteria: Invitae Variant Classification Sherloc (09022015). Collection method: clinical testing. Allele origin: germline.

PreventionGenetics, part of Exact Sciences
Classification: Likely benign for INF2-related condition. Last evaluated: 2025-10-15. Review status: criteria provided, single submitter. Criteria: ACMG Guidelines, 2015. Collection method: clinical testing. Allele origin: germline.
Comment: This variant is classified as likely benign based on ACMG/AMP sequence variant interpretation guidelines (Richards et al. 2015 PMID: 25741868, with internal and published modifications).

Blueprint Genetics
Classification: Likely benign. Last evaluated: 2024-10-01. Review status: criteria provided, single submitter. Criteria: ACMG Guidelines, 2015. Collection method: clinical testing. Allele origin: germline.

Ambry Genetics
Classification: Likely benign for Inborn genetic diseases. Last evaluated: 2019-07-11. Review status: criteria provided, single submitter. Criteria: Ambry Variant Classification Scheme 2023. Collection method: clinical testing. Allele origin: germline.

Illumina Laboratory Services, Illumina
Classification: Likely benign for Focal segmental glomerulosclerosis 5. Last evaluated: 2018-01-13. Review status: criteria provided, single submitter. Criteria: ICSL Variant Classification Criteria 13 December 2019. Collection method: clinical testing. Allele origin: germline.
Comment: This variant was observed in the ICSL laboratory as part of a predisposition screen in an ostensibly healthy population. It had not been previously curated by ICSL or reported in the Human Gene Mutation Database (HGMD: prior to June 1st, 2018), and was therefore a candidate for classification through an automated scoring system. Utilizing variant allele frequency, disease prevalence and penetrance estimates, and inheritance mode, an automated score was calculated to assess if this variant is too frequent to cause the disease. Based on the score and internal cut-off values, a variant classified as likely benign is not then subjected to further curation. The score for this variant resulted in a classification of likely benign for this disease.

Clinical Genetics, Academic Medical Center
Classification: Likely benign. Review status: no assertion criteria provided. Collection method: clinical testing. Allele origin: germline. Affected: yes. Study: VKGL Data-share Consensus. Not counted in ClinVar's aggregate classification.

Genome Diagnostics Laboratory, University Medical Center Utrecht
Classification: Likely benign. Review status: no assertion criteria provided. Collection method: clinical testing. Allele origin: germline. Affected: yes. Study: VKGL Data-share Consensus. Not counted in ClinVar's aggregate classification.